The following is an entry in ClinVar:

ClinVar aggregate classification (germline): Uncertain significance (1 of 4 stars; one submission).

Conditions:
Xeroderma pigmentosum, group F (XPF). Also called: ERCC4-Related Xeroderma Pigmentosum; XERODERMA PIGMENTOSUM, COMPLEMENTATION GROUP F; XERODERMA PIGMENTOSUM VI; XP, GROUP F; XERODERMA PIGMENTOSUM, TYPE F; Xeroderma pigmentosum, type 6. Identifiers: MedGen C0268140, MONDO:0010215, OMIM 278760.
Fanconi anemia complementation group Q. Identifiers: Orphanet 84, MedGen C3808988, MONDO:0014108, OMIM 615272.
Cockayne syndrome. Identifiers: Orphanet 191, MedGen C0009207, MONDO:0016006.

Allele frequency attached by ClinVar (database versions not stated): ExAC 0.00002; gnomAD 0.00003; gnomAD exomes 0.00004; TOPMed 0.00005; ESP Exome Variant Server 0.00008.

Submission:

Labcorp Genetics (formerly Invitae), Labcorp
Classification: Uncertain significance for Fanconi anemia complementation group Q; Xeroderma pigmentosum, group F; Cockayne syndrome. Last evaluated: 2023-02-24. Review status: criteria provided, single submitter. Criteria: Invitae Variant Classification Sherloc (09022015). Collection method: clinical testing. Allele origin: germline.
Comment: In summary, the available evidence is currently insufficient to determine the role of this variant in disease. Therefore, it has been classified as a Variant of Uncertain Significance. Advanced modeling of protein sequence and biophysical properties (such as structural, functional, and spatial information, amino acid conservation, physicochemical variation, residue mobility, and thermodynamic stability) performed at Invitae indicates that this missense variant is not expected to disrupt ERCC4 protein function. This variant has not been reported in the literature in individuals affected with ERCC4-related conditions. This variant is present in population databases (rs145138851, gnomAD 0.007%). This sequence change replaces methionine, which is neutral and non-polar, with valine, which is neutral and non-polar, at codon 218 of the ERCC4 protein (p.Met218Val).

NM_005236.3(ERCC4):c.652A>G (p.Met218Val)

Gene: ERCC4 (ERCC excision repair 4, endonuclease catalytic subunit; plus strand). Cytogenetic location: 16p13.12.
Variant type: single nucleotide variant.
Coding change: c.652A>G on transcript NM_005236.3 (MANE Select); coding-DNA position 652, A replaced by G.
Protein change: p.Met218Val; replaces methionine 218 with valine.
Molecular consequence: missense variant.
Genome position (GRCh38, 1-based): chr16:13,928,095, A>G. VCF-style: chr16-13928095-A-G. GRCh37 (hg19) VCF-style: chr16-14021952-A-G.
Other names: short protein forms M218V.
Identifiers: ClinVar variation 2929573 (VCV002929573.3), dbSNP rs145138851, ClinGen allele CA7910242.